The following is an entry in ClinVar:

NM_005866.4(SIGMAR1):c.151+6C>T

Genes: SIGMAR1 (sigma non-opioid intracellular receptor 1; minus strand), LOC130001681 (ATAC-STARR-seq lymphoblastoid silent region 19853; plus strand). Cytogenetic location: 9p13.3.
Variant type: single nucleotide variant.
Coding change: c.151+6C>T on transcript NM_005866.4 (MANE Select); 6 bases into the intron after coding-DNA position 151, C replaced by T.
Molecular consequence: intron variant.
Genome position (GRCh38, 1-based): chr9:34,637,541, G>A on the plus strand (C>T on the coding strand, the complement: SIGMAR1 is on the minus strand). VCF-style: chr9-34637541-G-A. GRCh37 (hg19) VCF-style: chr9-34637538-G-A.
Other names: c.91+66C>T (NM_001282207.2); c.151+6C>T (NM_001282209.2, NM_147157.3, NM_001282205.2 and 1 more transcripts); c.-103+6C>T (NM_001282206.2).
Identifiers: ClinVar variation 1774189 (VCV001774189.2), dbSNP rs755502620, ClinGen allele CA5035948.
Genomic context (GRCh38, chr9:34,637,541, plus strand): 5'-CGCCTTCGGAACCCTAGGCTCCGCTCCCAGGCCGGCCGCTCCCCTCCCTGCCCTCTGCCC[G>A]CTCACCAGCGTACTGCCGCGCCAACTGCGCTATCTCTTCGCGCTGGAAGACGAAGCTCTG-3'

ClinVar aggregate classification (germline): Uncertain significance (1 of 4 stars; one submission).

Conditions:
Inborn genetic diseases. Identifiers: MedGen C0950123, MeSH D030342.

Allele frequency attached by ClinVar (database versions not stated): ExAC 0.00002.

Submission:

Ambry Genetics
Classification: Uncertain significance for Inborn genetic diseases. Last evaluated: 2021-08-06. Review status: criteria provided, single submitter. Criteria: Ambry Variant Classification Scheme 2023. Collection method: clinical testing. Allele origin: germline.
Comment: The c.151+6C>T intronic variant results from a C to T substitution 6 nucleotides after coding exon 1 in the SIGMAR1 gene. This nucleotide position is well conserved in available vertebrate species. In silico splice site analysis predicts that this alteration will not have any significant effect on splicing. Since supporting evidence is limited at this time, the clinical significance of this alteration remains unclear.